The following is an entry in ClinVar:

ClinVar aggregate classification (germline): Conflicting classifications of pathogenicity. Review status: criteria provided, conflicting classifications (1 of 4 stars). 3 submissions from 3 submitters: Uncertain significance (1); Likely benign (2). Last evaluated 2024-10-21.

Conditions:
Cardiomyopathy (CMYO). Also called: Cardiomyopathies. Identifiers: Orphanet 167848, MedGen C0878544, MONDO:0004994, HP:0001638. Inheritance: Various modes of inheritance.

Allele frequency attached by ClinVar (database versions not stated): gnomAD 0.00009 and 0.00008; ExAC 0.00013; ESP Exome Variant Server 0.00008.
gnomAD v4.1: 79 of 1,613,976 alleles (0.0049%); highest among the groups gnomAD compares: East Asian, 0.042%; no homozygotes.

Submissions (3):

Blueprint Genetics
Classification: Likely benign. Last evaluated: 2024-10-21. Review status: criteria provided, single submitter. Criteria: ACMG Guidelines, 2015. Collection method: clinical testing. Allele origin: germline.

Color Diagnostics, LLC DBA Color Health
Classification: Likely benign for Cardiomyopathy. Last evaluated: 2018-06-25. Review status: criteria provided, single submitter. Criteria: ACMG Guidelines, 2015. Collection method: clinical testing. Allele origin: germline.

Laboratory for Molecular Medicine, Mass General Brigham Personalized Medicine
Classification: Uncertain significance. Last evaluated: 2016-07-08. Review status: criteria provided, single submitter. Criteria: LMM Criteria. Collection method: clinical testing. Allele origin: germline. Observed: 1 variant allele.
Comment: The p.Arg233His variant in TPM1 has not been previously reported in individuals with cardiomyopathy, but has been identified in 4/8654 East Asian chromosomes by the Exome Aggregation Consortium (ExAC; dbSNP r s144451403). Computational prediction tools and conservation analysis are limite d or unavailable for this variant. In summary, the clinical significance of the p.Arg233His variant is uncertain.

NC_000015.10:g.63069903G>A

Gene: TPM1 (tropomyosin 1; plus strand). Cytogenetic location: 15q22.2.
Variant type: single nucleotide variant.
Molecular consequence: non-coding transcript variant (on NR_176349.1). On other transcripts: intron variant (8), missense variant (6).
Genome position: GRCh38 VCF-style: chr15-63069903-G-A. GRCh37 (hg19) VCF-style: chr15-63362102-G-A.
Other names: c.899-1187G>A (NM_001365778.1); c.773-1187G>A (NM_001018020.2, NM_001018007.2, NM_001018006.2 and 1 more transcripts); c.852-1187G>A (NM_001407326.1); c.665-1187G>A (NM_001330344.2, NM_001301289.2); c.698G>A, p.Arg233His (NM_001018008.2, NM_001330351.2); c.806G>A, p.Arg269His (NM_001365776.1, NM_001407336.1, NM_001407337.1 and 1 more transcripts); short protein forms R233H, R269H.
Identifiers: ClinVar variation 504536 (VCV000504536.9), dbSNP rs144451403, ClinGen allele CA033893.